The following is an entry in ClinVar:

NM_022915.5(MRPL44):c.772A>G (p.Thr258Ala)

Gene: MRPL44 (mitochondrial ribosomal protein L44; plus strand). Cytogenetic location: 2q36.1.
Variant type: single nucleotide variant.
Coding change: c.772A>G on transcript NM_022915.5 (MANE Select); coding-DNA position 772, A replaced by G.
Protein change: p.Thr258Ala; replaces threonine 258 with alanine.
Molecular consequence: missense variant.
Genome position (GRCh38, 1-based): chr2:223,963,879, A>G. VCF-style: chr2-223963879-A-G. GRCh37 (hg19) VCF-style: chr2-224828596-A-G.
Other names: short protein forms T258A.
Identifiers: ClinVar variation 1931190 (VCV001931190.5), dbSNP rs1360369017, ClinGen allele CA350808969.

ClinVar aggregate classification (germline): Uncertain significance (1 of 4 stars; one submission).

Allele frequency attached by ClinVar (database versions not stated): TOPMed below 0.00001; gnomAD exomes 0.00001.
gnomAD v4.1: 3 of 1,614,022 alleles (0.00019%); highest among the groups gnomAD compares: Admixed American, 0.005%; no homozygotes.

Submission:

Labcorp Genetics (formerly Invitae), Labcorp
Classification: Uncertain significance. Last evaluated: 2022-11-29. Review status: criteria provided, single submitter. Criteria: Invitae Variant Classification Sherloc (09022015). Collection method: clinical testing. Allele origin: germline.
Comment: Advanced modeling of protein sequence and biophysical properties (such as structural, functional, and spatial information, amino acid conservation, physicochemical variation, residue mobility, and thermodynamic stability) performed at Invitae indicates that this missense variant is not expected to disrupt MRPL44 protein function. In summary, the available evidence is currently insufficient to determine the role of this variant in disease. Therefore, it has been classified as a Variant of Uncertain Significance. This sequence change replaces threonine, which is neutral and polar, with alanine, which is neutral and non-polar, at codon 258 of the MRPL44 protein (p.Thr258Ala). This variant is present in population databases (no rsID available, gnomAD 0.01%). This variant has not been reported in the literature in individuals affected with MRPL44-related conditions.